The following is an entry in ClinVar:

ClinVar aggregate classification (germline): Uncertain significance. Review status: criteria provided, multiple submitters, no conflicts (2 of 4 stars). 3 submissions from 3 submitters: Uncertain significance (3). Last evaluated 2022-08-01.

Conditions:
Congenital myasthenic syndrome 8. Also called: Myasthenic syndrome, congenital, 8, with pre- and postsynaptic defects; MYASTHENIC SYNDROME, CONGENITAL, DUE TO AGRIN DEFICIENCY. Identifiers: Orphanet 590, MedGen C3808739, MONDO:0014052, OMIM 615120.
Inborn genetic diseases. Identifiers: MedGen C0950123, MeSH D030342.

Allele frequency attached by ClinVar (database versions not stated): ExAC 0.00005; gnomAD exomes 0.00005 and 0.00016; gnomAD 0.00009; TOPMed 0.00011; ESP Exome Variant Server 0.00015.

Submissions (3):

Ambry Genetics
Classification: Uncertain significance for Inborn genetic diseases. Last evaluated: 2022-08-01. Review status: criteria provided, single submitter. Criteria: Ambry Variant Classification Scheme 2023. Collection method: clinical testing. Allele origin: germline.

Labcorp Genetics (formerly Invitae), Labcorp
Classification: Uncertain significance for Congenital myasthenic syndrome 8. Last evaluated: 2022-03-04. Review status: criteria provided, single submitter. Criteria: Invitae Variant Classification Sherloc (09022015). Collection method: clinical testing. Allele origin: germline.
Comment: This sequence change replaces glutamine, which is neutral and polar, with histidine, which is basic and polar, at codon 747 of the AGRN protein (p.Gln747His). This variant is present in population databases (rs144361725, gnomAD 0.008%). This variant has not been reported in the literature in individuals affected with AGRN-related conditions. ClinVar contains an entry for this variant (Variation ID: 541148). Algorithms developed to predict the effect of missense changes on protein structure and function are either unavailable or do not agree on the potential impact of this missense change (SIFT: "Deleterious"; PolyPhen-2: "Possibly Damaging"; Align-GVGD: "Class C0"). In summary, the available evidence is currently insufficient to determine the role of this variant in disease. Therefore, it has been classified as a Variant of Uncertain Significance.

Eurofins Ntd Llc (ga)
Classification: Uncertain significance. Last evaluated: 2017-08-21. Review status: criteria provided, single submitter. Criteria: EGL Classification Definitions 2015. Collection method: clinical testing. Allele origin: germline. Observed: 1 variant allele, 1 heterozygote.

NM_198576.4(AGRN):c.2241G>C (p.Gln747His)

Gene: AGRN (agrin; plus strand). Cytogenetic location: 1p36.33.
Variant type: single nucleotide variant.
Coding change: c.2241G>C on transcript NM_198576.4 (MANE Select); coding-DNA position 2241, G replaced by C.
Protein change: p.Gln747His; replaces glutamine 747 with histidine.
Molecular consequence: missense variant.
Genome position (GRCh38, 1-based): chr1:1,044,426, G>C. VCF-style: chr1-1044426-G-C. GRCh37 (hg19) VCF-style: chr1-979806-G-C.
Other names: c.2241G>C, p.Gln747His (NM_001305275.2); c.1926G>C, p.Gln642His (NM_001364727.2); short protein forms Q747H, Q642H.
Identifiers: ClinVar variation 541148 (VCV000541148.11), dbSNP rs144361725, ClinGen allele CA508529.